The following is an entry in ClinVar:

NM_003193.5(TBCE):c.19G>A (p.Ala7Thr)

Gene: TBCE (tubulin folding cofactor E; plus strand). Cytogenetic location: 1q42.3.
Variant type: single nucleotide variant.
Coding change: c.19G>A on transcript NM_003193.5 (MANE Select); coding-DNA position 19, G replaced by A.
Protein change: p.Ala7Thr; replaces alanine 7 with threonine.
Molecular consequence: missense variant. On other transcripts: 5 prime UTR variant (1).
Genome position (GRCh38, 1-based): chr1:235,380,068, G>A. VCF-style: chr1-235380068-G-A. GRCh37 (hg19) VCF-style: chr1-235543383-G-A.
Other names: c.19G>A, p.Ala7Thr (NM_001079515.3, NM_001287801.2); c.-292G>A (NM_001287802.2); short protein forms A7T.
Identifiers: ClinVar variation 4761358 (VCV004761358.1).

ClinVar aggregate classification (germline): Uncertain significance (1 of 4 stars; one submission).

Submission:

Labcorp Genetics (formerly Invitae), Labcorp
Classification: Uncertain significance. Last evaluated: 2025-10-02. Review status: criteria provided, single submitter. Criteria: Invitae Variant Classification Sherloc (09022015). Collection method: clinical testing. Allele origin: germline.
Comment: This sequence change replaces alanine, which is neutral and non-polar, with threonine, which is neutral and polar, at codon 7 of the TBCE protein (p.Ala7Thr). The frequency data for this variant in the population databases is considered unreliable, as metrics indicate poor data quality at this position in the gnomAD database. This variant has not been reported in the literature in individuals affected with TBCE-related conditions. An algorithm developed to predict the effect of missense changes on protein structure and function (PolyPhen-2) suggests that this variant is likely to be tolerated. In summary, the available evidence is currently insufficient to determine the role of this variant in disease. Therefore, it has been classified as a Variant of Uncertain Significance.